The following is an entry in ClinVar:

NM_006277.3(ITSN2):c.4558C>T (p.Arg1520Trp)

Gene: ITSN2 (intersectin 2; minus strand). Cytogenetic location: 2p23.3.
Variant type: single nucleotide variant.
Coding change: c.4558C>T on transcript NM_006277.3 (MANE Select); coding-DNA position 4558, C replaced by T.
Protein change: p.Arg1520Trp; replaces arginine 1520 with tryptophan.
Molecular consequence: missense variant.
Genome position (GRCh38, 1-based): chr2:24,209,137, G>A on the plus strand (C>T on the coding strand, the complement: ITSN2 is on the minus strand). VCF-style: chr2-24209137-G-A. GRCh37 (hg19) VCF-style: chr2-24432006-G-A.
Other names: c.4516C>T, p.Arg1506Trp (NM_001348181.2); c.4438C>T, p.Arg1480Trp (NM_001348182.2); c.4477C>T, p.Arg1493Trp (NM_019595.4); short protein forms R1506W, R1480W, R1493W, R1520W.
Identifiers: ClinVar variation 2346369 (VCV002346369.4), dbSNP rs370151156, ClinGen allele CA1550547.

ClinVar aggregate classification (germline): Uncertain significance. Review status: criteria provided, multiple submitters, no conflicts (2 of 4 stars). 2 submissions from 2 submitters: Uncertain significance (2). Last evaluated 2025-09-11.

Conditions:
ITSN2-related disorder. Also called: ITSN2-related condition.

Allele frequency attached by ClinVar (database versions not stated): ExAC 0.00003; ESP Exome Variant Server 0.00008.
gnomAD v4.1: 107 of 1,613,914 alleles (0.0066%); highest among the groups gnomAD compares: African/African-American, 0.008%; no homozygotes.

Submissions (2):

Ambry Genetics
Classification: Uncertain significance. Last evaluated: 2025-09-11. Review status: criteria provided, single submitter. Criteria: Ambry Variant Classification Scheme 2023. Collection method: clinical testing. Allele origin: germline.

PreventionGenetics, part of Exact Sciences
Classification: Uncertain significance for ITSN2-related condition. Last evaluated: 2023-06-26. Review status: criteria provided, single submitter. Criteria: ACMG Guidelines, 2015. Collection method: clinical testing. Allele origin: germline.
Comment: The ITSN2 c.4558C>T variant is predicted to result in the amino acid substitution p.Arg1520Trp. To our knowledge, this variant has not been reported in the literature. This variant is reported in 0.012% of alleles in individuals of African descent in gnomAD. At this time, the clinical significance of this variant is uncertain due to the absence of conclusive functional and genetic evidence.